The following is an entry in ClinVar:

ClinVar aggregate classification (germline): Uncertain significance (1 of 4 stars; one submission).

Submission:

Labcorp Genetics (formerly Invitae), Labcorp
Classification: Uncertain significance. Last evaluated: 2019-10-18. Review status: criteria provided, single submitter. Criteria: Invitae Variant Classification Sherloc (09022015). Collection method: clinical testing. Allele origin: germline.
Comment: This sequence change replaces proline with alanine at codon 2673 of the COL7A1 protein (p.Pro2673Ala). The proline residue is highly conserved and there is a small physicochemical difference between proline and alanine. This variant is not present in population databases (ExAC no frequency). This variant has not been reported in the literature in individuals with COL7A1-related conditions. Algorithms developed to predict the effect of missense changes on protein structure and function are either unavailable or do not agree on the potential impact of this missense change (SIFT: "Deleterious"; PolyPhen-2: "Probably Damaging"; Align-GVGD: "Class C0"). In summary, the available evidence is currently insufficient to determine the role of this variant in disease. Therefore, it has been classified as a Variant of Uncertain Significance.

NM_000094.4(COL7A1):c.8017C>G (p.Pro2673Ala)

Gene: COL7A1 (collagen type VII alpha 1 chain; minus strand). Cytogenetic location: 3p21.31.
Variant type: single nucleotide variant.
Coding change: c.8017C>G on transcript NM_000094.4 (MANE Select); coding-DNA position 8017, C replaced by G.
Protein change: p.Pro2673Ala; replaces proline 2673 with alanine.
Molecular consequence: missense variant.
Genome position (GRCh38, 1-based): chr3:48,567,603, G>C on the plus strand (C>G on the coding strand, the complement: COL7A1 is on the minus strand). VCF-style: chr3-48567603-G-C. GRCh37 (hg19) VCF-style: chr3-48605036-G-C.
Other names: short protein forms P2673A.
Identifiers: ClinVar variation 2184201 (VCV002184201.1), dbSNP rs781478312, ClinGen allele CA352641082.